The following is an entry in ClinVar:

NM_001037333.3(CYFIP2):c.866G>T (p.Arg289Ile)

Gene: CYFIP2 (cytoplasmic FMR1 interacting protein 2; plus strand). Cytogenetic location: 5q33.3.
Variant type: single nucleotide variant.
Coding change: c.866G>T on transcript NM_001037333.3 (MANE Select); coding-DNA position 866, G replaced by T.
Protein change: p.Arg289Ile; replaces arginine 289 with isoleucine.
Molecular consequence: missense variant.
Genome position (GRCh38, 1-based): chr5:157,307,831, G>T. VCF-style: chr5-157307831-G-T. GRCh37 (hg19) VCF-style: chr5-156734839-G-T.
Other names: c.788G>T, p.Arg263Ile (NM_001291721.2); c.866G>T, p.Arg289Ile (NM_001291722.2, NM_014376.4); short protein forms R263I, R289I.
Identifiers: ClinVar variation 4778341 (VCV004778341.1).

ClinVar aggregate classification (germline): Uncertain significance (1 of 4 stars; one submission).

Submission:

Labcorp Genetics (formerly Invitae), Labcorp
Classification: Uncertain significance. Last evaluated: 2025-03-27. Review status: criteria provided, single submitter. Criteria: Invitae Variant Classification Sherloc (09022015). Collection method: clinical testing. Allele origin: germline.
Comment: This sequence change replaces arginine, which is basic and polar, with isoleucine, which is neutral and non-polar, at codon 289 of the CYFIP2 protein (p.Arg289Ile). This variant is not present in population databases (gnomAD no frequency). This variant has not been reported in the literature in individuals affected with CYFIP2-related conditions. Experimental studies and prediction algorithms are not available or were not evaluated, and the functional significance of this variant is currently unknown. In summary, the available evidence is currently insufficient to determine the role of this variant in disease. Therefore, it has been classified as a Variant of Uncertain Significance.